The following is an entry in ClinVar:

ClinVar aggregate classification (germline): Uncertain significance (1 of 4 stars; one submission).

Submission:

GeneDx
Classification: Uncertain significance. Last evaluated: 2023-08-31. Review status: criteria provided, single submitter. Criteria: GeneDx Variant Classification Process June 2021. Collection method: clinical testing. Allele origin: germline. Affected: yes.
Comment: Regulatory variant that has been reported in a patient with HCM who also has a pathogenic MYH7 variant (Lesurf et al., 2022); No data available from control populations to assess the frequency of this variant; This variant is associated with the following publications: (PMID: 35288587)

NC_000006.12:g.7541614C>G

Genes: DSP (desmoplakin; plus strand), DSP-AS1 (DSP antisense RNA 1; minus strand). Cytogenetic location: 6p24.3.
Variant type: single nucleotide variant.
Genome position: GRCh38 VCF-style: chr6-7541614-C-G. GRCh37 (hg19) VCF-style: chr6-7541847-C-G.
Identifiers: ClinVar variation 3342693 (VCV003342693.1).